The following is an entry in ClinVar:

ClinVar aggregate classification (germline): Uncertain significance (1 of 4 stars; one submission).

Conditions:
Hypotonia, infantile, with psychomotor retardation and characteristic facies 3 (IHPRF3). Also called: TBCK-Related Neurodevelopmental Disorder. Identifiers: Orphanet 488632, MedGen C5567480, MONDO:0014823, OMIM 616900.

Submission:

Neuberg Centre For Genomic Medicine, NCGM
Classification: Uncertain significance for Hypotonia, infantile, with psychomotor retardation and characteristic facies 3. Last evaluated: 2023-05-20. Review status: criteria provided, single submitter. Criteria: ACMG Guidelines, 2015. Collection method: clinical testing. Allele origin: germline. Inheritance: Autosomal recessive inheritance. Affected: yes.
Comment: The observed missense variant c.760C>T (p.Leu254Phe) in the TBCK gene has not been reported previously as a pathogenic variant nor as a benign variant, to our knowledge. This variant is absent in the gnomAD Exomes. The amino acid Leucine at position 254 is changed to a Phenylalanine changing protein sequence and it might alter its composition and physico-chemical properties. Multiple lines of computational evidence (Polyphen - Damaging, SIFT - Damaging and MutationTaster - Disease causing) predict a damaging effect on protein structure and function for this variant. The residue is conserved by GERP++ and PhyloP across 100 vertebrates. For these reasons, this variant has been classified as Uncertain Significance.

NM_001163435.3(TBCK):c.760C>T (p.Leu254Phe)

Gene: TBCK (TBC1 domain containing kinase; minus strand). Cytogenetic location: 4q24.
Variant type: single nucleotide variant.
Coding change: c.760C>T on transcript NM_001163435.3 (MANE Select); coding-DNA position 760, C replaced by T.
Protein change: p.Leu254Phe; replaces leucine 254 with phenylalanine.
Molecular consequence: missense variant.
Genome position (GRCh38, 1-based): chr4:106,248,267, G>A on the plus strand (C>T on the coding strand, the complement: TBCK is on the minus strand). VCF-style: chr4-106248267-G-A. GRCh37 (hg19) VCF-style: chr4-107169424-G-A.
Other names: c.760C>T, p.Leu254Phe (NM_001163436.4); c.643C>T, p.Leu215Phe (NM_001163437.3); c.244C>T, p.Leu82Phe (NM_001290768.2); c.571C>T, p.Leu191Phe (NM_033115.5); short protein forms L191F, L215F, L254F, L82F.
Identifiers: ClinVar variation 3341437 (VCV003341437.1).